The following is an entry in ClinVar:

NM_005337.5(NCKAP1L):c.2781+6T>C

Gene: NCKAP1L (NCK associated protein 1 like; plus strand). Cytogenetic location: 12q13.2.
Variant type: single nucleotide variant.
Coding change: c.2781+6T>C on transcript NM_005337.5 (MANE Select); 6 bases into the intron after coding-DNA position 2781, T replaced by C.
Molecular consequence: intron variant.
Genome position (GRCh38, 1-based): chr12:54,531,831, T>C. VCF-style: chr12-54531831-T-C. GRCh37 (hg19) VCF-style: chr12-54925615-T-C.
Other names: c.2631+6T>C (NM_001184976.2).
Identifiers: ClinVar variation 4526049 (VCV004526049.1).

ClinVar aggregate classification (germline): Uncertain significance (1 of 4 stars; one submission).

gnomAD v4.1: 5 of 1,607,258 alleles (0.00031%); highest among the groups gnomAD compares: Non-Finnish European, 0.00043%; no homozygotes.

Submission:

Women's Health and Genetics/Laboratory Corporation of America, LabCorp
Classification: Uncertain significance. Last evaluated: 2025-07-09. Review status: criteria provided, single submitter. Criteria: LabCorp Variant Classification Summary - May 2015. Collection method: clinical testing. Allele origin: germline.
Comment: Variant summary: NCKAP1L c.2781+6T>C alters a non-conserved nucleotide located close to a canonical splice site and therefore could affect mRNA splicing, leading to a significantly altered protein sequence. Several computational tools predict a significant impact on normal splicing: Three predict the variant weakens a canonical 3' acceptor site. However, these predictions have yet to be confirmed by functional studies. The variant allele was found at a frequency of 8e-06 in 250896 control chromosomes. The available data on variant occurrences in the general population are insufficient to allow any conclusion about variant significance. To our knowledge, no occurrence of c.2781+6T>C in individuals affected with Immunodeficiency 72 with autoinflammation and no experimental evidence demonstrating its impact on protein function have been reported. No submitters have cited clinical-significance assessments for this variant to ClinVar. Based on the evidence outlined above, the variant was classified as uncertain significance.